The following is an entry in ClinVar:

ClinVar aggregate classification (germline): Uncertain significance. Review status: criteria provided, multiple submitters, no conflicts (2 of 4 stars). 2 submissions from 2 submitters: Uncertain significance (2). Last evaluated 2021-11-05.

Conditions:
Fanconi anemia (FA). Also called: Fanconi's anemia. Identifiers: Orphanet 84, MedGen C0015625, MeSH D005199, MONDO:0019391.
Fanconi anemia complementation group I (FANCI). Also called: FANCI-Related Fanconi Anemia. Identifiers: Orphanet 84, MedGen C1836861, MONDO:0012186, OMIM 609053.

Allele frequency attached by ClinVar (database versions not stated): gnomAD 0.00003; TOPMed 0.00003; ESP Exome Variant Server 0.00008.
gnomAD v4.1: 24 of 1,614,106 alleles (0.0015%); highest among the groups gnomAD compares: South Asian, 0.0077%; no homozygotes.

Submissions (2):

Fulgent Genetics
Classification: Uncertain significance for Fanconi anemia complementation group I. Last evaluated: 2021-11-05. Review status: criteria provided, single submitter. Criteria: ACMG Guidelines, 2015. Collection method: clinical testing. Allele origin: unknown.

Labcorp Genetics (formerly Invitae), Labcorp
Classification: Uncertain significance for Fanconi anemia. Last evaluated: 2021-08-28. Review status: criteria provided, single submitter. Criteria: Invitae Variant Classification Sherloc (09022015). Collection method: clinical testing. Allele origin: germline.
Comment: This sequence change replaces tyrosine with cysteine at codon 1039 of the FANCI protein (p.Tyr1039Cys). The tyrosine residue is moderately conserved and there is a large physicochemical difference between tyrosine and cysteine. This variant is present in population databases (rs138702591, ExAC 0.01%). This variant has not been reported in the literature in individuals affected with FANCI-related conditions. Algorithms developed to predict the effect of missense changes on protein structure and function output the following: SIFT: "Tolerated"; PolyPhen-2: "Benign"; Align-GVGD: "Class C0". The cysteine amino acid residue is found in multiple mammalian species, which suggests that this missense change does not adversely affect protein function. Algorithms developed to predict the effect of sequence changes on RNA splicing suggest that this variant may create or strengthen a splice site. In summary, the available evidence is currently insufficient to determine the role of this variant in disease. Therefore, it has been classified as a Variant of Uncertain Significance.

NM_001113378.2(FANCI):c.3116A>G (p.Tyr1039Cys)

Gene: FANCI (FA complementation group I; plus strand). Cytogenetic location: 15q26.1.
Variant type: single nucleotide variant.
Coding change: c.3116A>G on transcript NM_001113378.2 (MANE Select); coding-DNA position 3116, A replaced by G.
Protein change: p.Tyr1039Cys; replaces tyrosine 1039 with cysteine.
Molecular consequence: missense variant.
Genome position (GRCh38, 1-based): chr15:89,305,172, A>G. VCF-style: chr15-89305172-A-G. GRCh37 (hg19) VCF-style: chr15-89848403-A-G.
Other names: c.2837A>G, p.Tyr946Cys (NM_001376910.1); c.3116A>G, p.Tyr1039Cys (NM_001376911.1); c.2936A>G, p.Tyr979Cys (NM_018193.3); short protein forms Y1039C, Y946C, Y979C.
Identifiers: ClinVar variation 1046945 (VCV001046945.7), dbSNP rs138702591, ClinGen allele CA7723599.